The following is an entry in ClinVar:

ClinVar aggregate classification (germline): Uncertain significance (1 of 4 stars; one submission).

Conditions:
MC4R-related disorder. Also called: MC4R-related condition.

Submission:

PreventionGenetics, part of Exact Sciences
Classification: Uncertain significance for MC4R-related condition. Last evaluated: 2025-04-28. Review status: criteria provided, single submitter. Criteria: ACMG Guidelines, 2015. Collection method: clinical testing. Allele origin: germline.
Comment: The MC4R c.253A>G variant is predicted to result in the amino acid substitution p.Ser85Gly. This variant has been reported in the heterozygous state in three individuals with obesity from a single family (Mohammed et al. 2023. PubMed ID: 38003551). One of these individuals was compound heterozygous for MC4R c.802T>C and c.253A>G and had a more severe form of obesity, while one unaffected sibling had neither variant (Mohammed et al. 2023. PubMed ID: 38003551). MC4R c.802T>C and c.253A>G have also been reported in the homozygous state in an individual with obesity (Schirmer et al. 2023. doi: 10.1055/a-2079-9133). In individuals undergoing genetic testing for obesity at PreventionGenetics, the c.253A>G and c.802T>C variants have both been detected in the heterozygous state (phase unknown) in two individuals and both in the homozygous state in one individual, but c.253A>G has not been observed in the absence of c.802T>C (Internal Data). Functional studies show this variant results in impaired localization and loss of signal transduction (Mohammed et al. 2023. PubMed ID: 38003551). This variant has not been reported in a large population database (gnomAD), indicating it is rare. Another missense variant affecting the same amino acid (p.Ser85Ile) has been indicated to affect protein function in experimental studies (Wade et al. 2021. PubMed ID: 34045736). Although we suspect that this variant may be pathogenic, at this time, the clinical significance of this variant is uncertain due to the absence of conclusive functional and genetic evidence.

NM_005912.3(MC4R):c.253A>G (p.Ser85Gly)

Gene: MC4R (melanocortin 4 receptor; minus strand). Cytogenetic location: 18q21.32.
Variant type: single nucleotide variant.
Coding change: c.253A>G on transcript NM_005912.3 (MANE Select); coding-DNA position 253, A replaced by G.
Protein change: p.Ser85Gly; replaces serine 85 with glycine.
Molecular consequence: missense variant.
Genome position (GRCh38, 1-based): chr18:60,372,097, T>C on the plus strand (A>G on the coding strand, the complement: MC4R is on the minus strand). VCF-style: chr18-60372097-T-C. GRCh37 (hg19) VCF-style: chr18-58039330-T-C.
Other names: short protein forms S85G.
Identifiers: ClinVar variation 4984767 (VCV004984767.1).